The following is an entry in ClinVar:

NM_005138.2(SCO2):c.-142G>C

Gene: SCO2 (synthesis of cytochrome C oxidase 2; minus strand). Cytogenetic location: 22q13.33.
Variant type: single nucleotide variant.
Coding change: c.-142G>C on transcript NM_005138.2; 142 bases upstream of the start codon, G replaced by C.
Molecular consequence: intron variant (on NM_001169109.2).
Genome position (GRCh38, 1-based): chr22:50,525,600, C>G on the plus strand (G>C on the coding strand, the complement: SCO2 is on the minus strand). VCF-style: chr22-50525600-C-G. GRCh37 (hg19) VCF-style: chr22-50964029-C-G.
Other names: c.-14+646G>C (NM_001169109.2); c.-14+401G>C (NM_001169110.1).
Identifiers: ClinVar variation 342134 (VCV000342134.10), dbSNP rs145052206, ClinGen allele CA10654206.

ClinVar aggregate classification (germline): Conflicting classifications of pathogenicity. Review status: criteria provided, conflicting classifications (1 of 4 stars). 3 submissions from 2 submitters: Uncertain significance (1); Benign (1); Likely benign (1). Last evaluated 2021-05-18.

Conditions:
Cardioencephalomyopathy, fatal infantile, due to cytochrome c oxidase deficiency 1 (MC4DN2). Also called: MITOCHONDRIAL COMPLEX IV DEFICIENCY, NUCLEAR TYPE 2; CYTOCHROME c OXIDASE DEFICIENCY, FATAL INFANTILE, WITH CARDIOENCEPHALOMYOPATHY. Identifiers: Orphanet 1561, MedGen C5399977, MONDO:0011451, OMIM 604377.
Mitochondrial complex IV deficiency, nuclear type 1 (MC4DN1). Also called: Complex 4 mitochondrial respiratory chain deficiency; Deficiency of mitochondrial respiratory chain complex4; Complex IV deficiency; COX DEFICIENCY; Mitochondrial complex IV deficiency. Identifiers: MedGen C5435656, MONDO:0700250, OMIM 220110. Disease mechanism: loss of function.

Allele frequency attached by ClinVar (database versions not stated): 1000 Genomes Project 30x 0.00687; gnomAD 0.01794; 1000 Genomes Project 0.00759; TOPMed 0.00818; gnomAD exomes 0.01314.
gnomAD v4.1: 13,248 of 1,036,838 alleles (1.3%); highest among the groups gnomAD compares: Middle Eastern, 1.6%; 112 homozygotes.

Submissions (3):

Genome-Nilou Lab
Classification: Likely benign for Cardioencephalomyopathy, fatal infantile, due to cytochrome c oxidase deficiency 1. Last evaluated: 2021-05-18. Review status: criteria provided, single submitter. Criteria: ACMG Guidelines, 2015. Collection method: clinical testing. Allele origin: germline. Affected: no.

Illumina Laboratory Services, Illumina
Classification: Uncertain significance for Mitochondrial complex IV deficiency, nuclear type 1. Last evaluated: 2018-01-13. Review status: criteria provided, single submitter. Criteria: ICSL Variant Classification Criteria 13 December 2019. Collection method: clinical testing. Allele origin: germline.

Illumina Laboratory Services, Illumina
Classification: Benign for Cardioencephalomyopathy, fatal infantile, due to cytochrome c oxidase deficiency 1. Last evaluated: 2018-01-13. Review status: criteria provided, single submitter. Criteria: ICSL Variant Classification Criteria 13 December 2019. Collection method: clinical testing. Allele origin: germline.
Comment: This variant was observed in the ICSL laboratory as part of a predisposition screen in an ostensibly healthy population. It had not been previously curated by ICSL or reported in the Human Gene Mutation Database (HGMD: prior to June 1st, 2018), and was therefore a candidate for classification through an automated scoring system. Utilizing variant allele frequency, disease prevalence and penetrance estimates, and inheritance mode, an automated score was calculated to assess if this variant is too frequent to cause the disease. Based on the score and internal cut-off values, a variant classified as benign is not then subjected to further curation. The score for this variant resulted in a classification of benign for this disease.